The following is an entry in ClinVar:

ClinVar aggregate classification (germline): Uncertain significance (1 of 4 stars; one submission).

Conditions:
BAP1-related tumor predisposition syndrome (TPDS1). Also called: Tumor susceptibility linked to germline BAP1 mutations; COMMON Syndrome; TUMOR PREDISPOSITION SYNDROME 1; BAP1 tumor predisposition syndrome. Identifiers: Orphanet 289539, MedGen C3280492, MONDO:0013692, OMIM 614327.

Submission:

Labcorp Genetics (formerly Invitae), Labcorp
Classification: Uncertain significance for BAP1-related tumor predisposition syndrome. Last evaluated: 2024-08-31. Review status: criteria provided, single submitter. Criteria: Invitae Variant Classification Sherloc (09022015). Collection method: clinical testing. Allele origin: germline.
Comment: This sequence change replaces glutamine, which is neutral and polar, with histidine, which is basic and polar, at codon 261 of the BAP1 protein (p.Gln261His). This variant also falls at the last nucleotide of exon 9, which is part of the consensus splice site for this exon. This variant is not present in population databases (gnomAD no frequency). This variant has not been reported in the literature in individuals affected with BAP1-related conditions. An algorithm developed to predict the effect of missense changes on protein structure and function (PolyPhen-2) suggests that this variant is likely to be tolerated. Variants that disrupt the consensus splice site are a relatively common cause of aberrant splicing (PMID: 17576681, 9536098). In summary, the available evidence is currently insufficient to determine the role of this variant in disease. Therefore, it has been classified as a Variant of Uncertain Significance.

Literature cited by the submitters: PubMed 17576681; PubMed 9536098.

NM_004656.4(BAP1):c.783G>T (p.Gln261His)

Gene: BAP1 (BRCA1 associated deubiquitinase 1; minus strand). Cytogenetic location: 3p21.1.
Variant type: single nucleotide variant.
Coding change: c.783G>T on transcript NM_004656.4 (MANE Select); coding-DNA position 783, G replaced by T.
Protein change: p.Gln261His; replaces glutamine 261 with histidine.
Molecular consequence: missense variant.
Genome position (GRCh38, 1-based): chr3:52,406,253, C>A on the plus strand (G>T on the coding strand, the complement: BAP1 is on the minus strand). VCF-style: chr3-52406253-C-A. GRCh37 (hg19) VCF-style: chr3-52440269-C-A.
Other names: c.729G>T, p.Gln243His (NM_001410772.1); short protein forms Q243H, Q261H.
Identifiers: ClinVar variation 3662991 (VCV003662991.2).
Genomic context (GRCh38, chr3:52,406,253, plus strand): 5'-AGGGAGGAGGAATGCAGGGAGGGTTGGGCTGGGCAGAGGCCAGGAAGAAAGGGCACCTAC[C>A]TGCTGCAGAGCCTCTAGTACTGTCTGACGGTTCACCTTCAGCACATGCAGCCTGGCCTCA-3'
Protein context (NP_004647.1, residues 251-271): NRQTVLEALQ[Gln261His]LIRVTQPELI